The following is an entry in ClinVar:

NM_080680.3(COL11A2):c.2430+8C>T

Gene: COL11A2 (collagen type XI alpha 2 chain; minus strand). Cytogenetic location: 6p21.32.
Variant type: single nucleotide variant.
Coding change: c.2430+8C>T on transcript NM_080680.3 (MANE Select); 8 bases into the intron after coding-DNA position 2430, C replaced by T.
Molecular consequence: intron variant.
Genome position (GRCh38, 1-based): chr6:33,174,519, G>A on the plus strand (C>T on the coding strand, the complement: COL11A2 is on the minus strand). VCF-style: chr6-33174519-G-A. GRCh37 (hg19) VCF-style: chr6-33142296-G-A.
Other names: p.?; c.2109+8C>T (NM_080679.3); c.2172+8C>T (NM_080681.3).
Identifiers: ClinVar variation 1989820 (VCV001989820.5), dbSNP rs1202697665, ClinGen allele CA566429148.

ClinVar aggregate classification (germline): Likely benign. Review status: criteria provided, multiple submitters, no conflicts (2 of 4 stars). 2 submissions from 2 submitters: Likely benign (2). Last evaluated 2025-11-15.

Allele frequency attached by ClinVar (database versions not stated): gnomAD exomes 0.00001; TOPMed 0.00001.
gnomAD v4.1: 11 of 1,612,474 alleles (0.00068%); highest among the groups gnomAD compares: Non-Finnish European, 0.00076%; no homozygotes.

Submissions (2):

Mayo Clinic Laboratories, Mayo Clinic
Classification: Likely benign. Last evaluated: 2025-11-15. Review status: criteria provided, single submitter. Criteria: ACMG Guidelines, 2015. Collection method: clinical testing. Allele origin: germline. Observed: 1 variant allele.
Comment: BP4, BP7, PM2_moderate

Labcorp Genetics (formerly Invitae), Labcorp
Classification: Likely benign. Last evaluated: 2024-10-21. Review status: criteria provided, single submitter. Criteria: Invitae Variant Classification Sherloc (09022015). Collection method: clinical testing. Allele origin: germline.